The following is an entry in ClinVar:

ClinVar aggregate classification (germline): Uncertain significance (1 of 4 stars; one submission).

gnomAD v4.1: 2 of 1,536,926 alleles (0.00013%); highest among the groups gnomAD compares: Non-Finnish European, 0.00017%; no homozygotes.

Submission:

Labcorp Genetics (formerly Invitae), Labcorp
Classification: Uncertain significance. Last evaluated: 2024-04-26. Review status: criteria provided, single submitter. Criteria: Invitae Variant Classification Sherloc (09022015). Collection method: clinical testing. Allele origin: germline.
Comment: This sequence change replaces glutamic acid, which is acidic and polar, with lysine, which is basic and polar, at codon 59 of the ZNF469 protein (p.Glu59Lys). This variant is not present in population databases (gnomAD no frequency). This variant has not been reported in the literature in individuals affected with ZNF469-related conditions. An algorithm developed to predict the effect of missense changes on protein structure and function (PolyPhen-2) suggests that this variant is likely to be disruptive. In summary, the available evidence is currently insufficient to determine the role of this variant in disease. Therefore, it has been classified as a Variant of Uncertain Significance.

NM_001367624.2(ZNF469):c.175G>A (p.Glu59Lys)

Gene: ZNF469 (zinc finger protein 469; plus strand). Cytogenetic location: 16q24.2.
Variant type: single nucleotide variant.
Coding change: c.175G>A on transcript NM_001367624.2 (MANE Select); coding-DNA position 175, G replaced by A.
Protein change: p.Glu59Lys; replaces glutamic acid 59 with lysine.
Molecular consequence: missense variant.
Genome position (GRCh38, 1-based): chr16:88,427,645, G>A. VCF-style: chr16-88427645-G-A. GRCh37 (hg19) VCF-style: chr16-88494053-G-A.
Other names: short protein forms E59K.
Identifiers: ClinVar variation 3678977 (VCV003678977.2).